The following is an entry in ClinVar:

NM_002430.3(MN1):c.3709del (p.Asp1237fs)

Gene: MN1 (MN1 proto-oncogene, transcriptional regulator; minus strand). Cytogenetic location: 22q12.1.
Variant type: Deletion.
Coding change: c.3709del on transcript NM_002430.3 (MANE Select); coding-DNA position 3709, one base deleted (G; older notation c.3709delG).
Protein change: p.Asp1237fs; shifts the reading frame from aspartic acid 1237.
Molecular consequence: frameshift variant.
Genome position (GRCh38, 1-based): chr22:27,796,835, C deleted on the plus strand (G on the coding strand, the reverse complement: MN1 is on the minus strand); the first of 2 consecutive C bases (chr22:27,796,835-27,796,836); deleting either gives the same sequence. VCF-style (leftmost placement, unchanged base first): chr22-27796834-TC-T. GRCh37 (hg19) VCF-style: chr22-28192822-TC-T.
Other names: short protein forms D1237fs.
Identifiers: ClinVar variation 2264388 (VCV002264388.2), dbSNP rs2517769813, ClinGen allele CA2580099328.

ClinVar aggregate classification (germline): Uncertain significance (1 of 4 stars; one submission).

Conditions:
Inborn genetic diseases. Identifiers: MedGen C0950123, MeSH D030342.

Submission:

Ambry Genetics
Classification: Uncertain significance for Inborn genetic diseases. Last evaluated: 2022-01-13. Review status: criteria provided, single submitter. Criteria: Ambry Variant Classification Scheme 2023. Collection method: clinical testing. Allele origin: germline.
Comment: Loss of function has not been clearly established as a mechanism of disease Based on insufficient or conflicting evidence, the clinical significance of this alteration remains unclear.